The following is an entry in ClinVar:

NM_015705.6(SGSM3):c.2197G>A (p.Val733Ile)

Gene: SGSM3 (small G protein signaling modulator 3; plus strand). Cytogenetic location: 22q13.1.
Variant type: single nucleotide variant.
Coding change: c.2197G>A on transcript NM_015705.6 (MANE Select); coding-DNA position 2197, G replaced by A.
Protein change: p.Val733Ile; replaces valine 733 with isoleucine.
Molecular consequence: missense variant. On other transcripts: non-coding transcript variant (4), intron variant (3).
Genome position (GRCh38, 1-based): chr22:40,409,706, G>A. VCF-style: chr22-40409706-G-A. GRCh37 (hg19) VCF-style: chr22-40805710-G-A.
Other names: c.1930G>A, p.Val644Ile (NM_001301849.2); c.2248G>A, p.Val750Ile (NM_001350039.2); c.2059G>A, p.Val687Ile (NM_001350042.2); c.2047G>A, p.Val683Ile (NM_001350043.2); c.2008G>A, p.Val670Ile (NM_001350044.2, NM_001350045.2); c.1996G>A, p.Val666Ile (NM_001350046.2); c.1699G>A, p.Val567Ile (NM_001350048.2); c.2223+181G>A (NM_001350040.2); and 2 more; short protein forms V567I, V644I, V666I, V670I, V683I, V687I, V733I, V750I.
Identifiers: ClinVar variation 5040992 (VCV005040992.1).

ClinVar aggregate classification (germline): Uncertain significance (1 of 4 stars; one submission).

gnomAD v4.1: 134 of 1,612,916 alleles (0.0083%); highest among the groups gnomAD compares: East Asian, 0.036%; no homozygotes.

Submission:

CeGaT Center for Human Genetics Tuebingen
Classification: Uncertain significance. Last evaluated: 2026-09-01. Review status: criteria provided, single submitter. Criteria: CeGaT Center For Human Genetics Tuebingen Variant Classification Criteria Version 2. Collection method: clinical testing. Allele origin: germline. Affected: yes. Observed: 1 variant allele.
Comment: SGSM3: PM2, PM3:Supporting